The following is an entry in ClinVar:

ClinVar aggregate classification (germline): Uncertain significance (1 of 4 stars; one submission).

Submission:

Ambry Genetics
Classification: Uncertain significance. Last evaluated: 2025-11-11. Review status: criteria provided, single submitter. Criteria: Ambry Variant Classification Scheme 2023. Collection method: clinical testing. Allele origin: germline.
Comment: The p.V51L variant (also known as c.151G>T), located in coding exon 1 of the MC1R gene, results from a G to T substitution at nucleotide position 151. The valine at codon 51 is replaced by leucine, an amino acid with highly similar properties. This amino acid position is conserved. In addition, this alteration is predicted to be tolerated by in silico analysis. Based on the available evidence, the clinical significance of this variant remains unclear.

NM_002386.4(MC1R):c.151G>T (p.Val51Leu)

Gene: MC1R (melanocortin 1 receptor; plus strand). Cytogenetic location: 16q24.3.
Variant type: single nucleotide variant.
Coding change: c.151G>T on transcript NM_002386.4 (MANE Select); coding-DNA position 151, G replaced by T.
Protein change: p.Val51Leu; replaces valine 51 with leucine.
Molecular consequence: missense variant.
Genome position (GRCh38, 1-based): chr16:89,919,409, G>T. VCF-style: chr16-89919409-G-T. GRCh37 (hg19) VCF-style: chr16-89985817-G-T.
Other names: short protein forms V51L.
Identifiers: ClinVar variation 4550312 (VCV004550312.1).